The following is an entry in ClinVar:

NM_005159.5(ACTC1):c.967G>T (p.Ala323Ser)

Genes: ACTC1 (actin alpha cardiac muscle 1; minus strand), GJD2-DT (GJD2 divergent transcript; plus strand). Cytogenetic location: 15q14.
Variant type: single nucleotide variant.
Coding change: c.967G>T on transcript NM_005159.5 (MANE Select); coding-DNA position 967, G replaced by T.
Protein change: p.Ala323Ser; replaces alanine 323 with serine.
Molecular consequence: missense variant.
Genome position (GRCh38, 1-based): chr15:34,791,137, C>A on the plus strand (G>T on the coding strand, the complement: ACTC1 is on the minus strand). VCF-style: chr15-34791137-C-A. GRCh37 (hg19) VCF-style: chr15-35083338-C-A.
Other names: short protein forms A323S.
Identifiers: ClinVar variation 1174874 (VCV001174874.7), dbSNP rs771011464, ClinGen allele CA268660850.

ClinVar aggregate classification (germline): Uncertain significance. Review status: criteria provided, single submitter (1 of 4 stars). 4 submissions from 4 submitters: Uncertain significance (1). 3 of the submissions do not count toward it. Last evaluated 2021-05-06.

Conditions:
Hypertrophic cardiomyopathy 11. Also called: ACTC1-Related Familial Hypertrophic Cardiomyopathy. Identifiers: MedGen C2677506, MONDO:0012799, OMIM 612098.

Allele frequency attached by ClinVar (database versions not stated): TOPMed below 0.00001.
gnomAD v4.1: 2 of 1,606,632 alleles (0.00012%); highest among the groups gnomAD compares: Non-Finnish European, 0.00017%; no homozygotes.

Submissions (4):

Victorian Clinical Genetics Services, Murdoch Childrens Research Institute
Classification: Uncertain significance for Hypertrophic cardiomyopathy 11. Last evaluated: 2021-05-06. Review status: criteria provided, single submitter. Criteria: ACMG Guidelines, 2015. Collection method: clinical testing. Allele origin: germline. Inheritance: Autosomal dominant inheritance. Affected: yes.
Comment: Based on the classification scheme VCGS_Germline_v1.3.4, this variant is classified as 3A-VUS. Following criteria are met: 0105 - The mechanism of disease for this gene is not clearly established. Missense variants have been described with both loss and gain of function properties (PMID: 29719515). However, the exact mechanism remains unclear. (I) 0107 - This gene is associated with autosomal dominant disease. (I) 0200 - Variant is predicted to result in a missense amino acid change from alanine to serine. (I) 0251 - This variant is heterozygous. (I) 0301 - Variant is absent from gnomAD (both v2 and v3). (SP) 0309 - An alternative amino acid change at the same position has been observed in gnomAD (v2) (3 heterozygotes, 0 homozygotes). (I) 0502 - Missense variant with conflicting in silico predictions and high conservation. (I) 0603 - Missense variant in a region that is highly intolerant to missense variation (high constraint region in DECIPHER). (SP) 0708 - Other missense variants comparable to the one identified in this case have conflicting previous evidence for pathogenicity. A different variant in the same codon resulting in a change to valine has been reported as pathogenic and a VUS in individuals with HCM (ClinVar, PMID: 22563033, PMID: 28408708). Two other variants in the same codon resulting in changes to threonine and proline have been reported as VUS in ClinVar. (I) 0809 - Previous evidence of pathogenicity for this variant is inconclusive. This variant has been reported as a VUS (Global Variome shared LOVD). (I) 0905 - No published segregation evidence has been identified for this variant. (I) 1007 - No published functional evidence has been identified for this variant. (I) 1208 - Inheritance information for this variant is not currently available in this individual. (I) Legend: (SP) - Supporting pathogenic, (I) - Information, (SB) - Supporting benign

Clinical Genetics, Academic Medical Center
Classification: Uncertain significance. Review status: no assertion criteria provided. Collection method: clinical testing. Allele origin: germline. Affected: yes. Study: VKGL Data-share Consensus. Not counted in ClinVar's aggregate classification.

Diagnostic Laboratory, Department of Genetics, University Medical Center Groningen
Classification: Uncertain significance. Review status: no assertion criteria provided. Collection method: clinical testing. Allele origin: germline. Affected: yes. Study: VKGL Data-share Consensus. Not counted in ClinVar's aggregate classification.

Genome Diagnostics Laboratory, University Medical Center Utrecht
Classification: Uncertain significance. Review status: no assertion criteria provided. Collection method: clinical testing. Allele origin: germline. Affected: yes. Study: VKGL Data-share Consensus. Not counted in ClinVar's aggregate classification.

Literature cited by the submitters: PubMed 22563033 (cited by Victorian Clinical Genetics Services, Murdoch Childrens Research Institute); PubMed 28408708 (cited by Victorian Clinical Genetics Services, Murdoch Childrens Research Institute); PubMed 29719515 (cited by Victorian Clinical Genetics Services, Murdoch Childrens Research Institute).